The following is an entry in ClinVar:

ClinVar aggregate classification (germline): Uncertain significance (1 of 4 stars; one submission).

Submission:

Labcorp Genetics (formerly Invitae), Labcorp
Classification: Uncertain significance. Last evaluated: 2025-08-14. Review status: criteria provided, single submitter. Criteria: Invitae Variant Classification Sherloc (09022015). Collection method: clinical testing. Allele origin: germline.
Comment: This variant, c.6198_6200del, results in the deletion of 1 amino acid(s) of the RP1 protein (p.Asp2066del), but otherwise preserves the integrity of the reading frame. This variant is not present in population databases (gnomAD no frequency). This variant has been observed in individual(s) with autosomal dominant retinitis pigmentosa (PMID: 28157192). ClinVar contains an entry for this variant (Variation ID: 1420736). Experimental studies and prediction algorithms are not available or were not evaluated, and the functional significance of this variant is currently unknown. In summary, the available evidence is currently insufficient to determine the role of this variant in disease. Therefore, it has been classified as a Variant of Uncertain Significance.

Literature cited by the submitters: PubMed 28157192.

NM_006269.2(RP1):c.6198_6200del (p.Asp2066del)

Gene: RP1 (RP1 axonemal microtubule associated; plus strand). Cytogenetic location: 8q12.1.
Variant type: Deletion.
Coding change: c.6198_6200del on transcript NM_006269.2 (MANE Select); coding-DNA positions 6198 to 6200, 3 bases deleted (TGA; older notation c.6198_6200delTGA).
Protein change: p.Asp2066del; deletes aspartic acid 2066.
Molecular consequence: inframe deletion. On other transcripts: intron variant (1).
Genome position (GRCh38, 1-based): chr8:54,630,080-54,630,082, TGA deleted; deleting any 3 consecutive bases within chr8:54,630,078-54,630,082 gives the same sequence; the c. name uses the placement nearest the transcript's 3' end. VCF-style (leftmost placement, unchanged base first): chr8-54630077-CGAT-C. GRCh37 (hg19) VCF-style: chr8-55542637-CGAT-C.
Other names: c.787+7792_787+7794del (NM_001375654.1); short protein forms D2066del.
Identifiers: ClinVar variation 1420736 (VCV001420736.6), dbSNP rs1806210601, ClinGen allele CA1114001199.